The following is an entry in ClinVar:

ClinVar aggregate classification (germline): Likely pathogenic (0 of 4 stars; one submission).

Conditions:
Diastrophic dysplasia (DTD). Also called: Diastrophic dwarfism. Identifiers: Orphanet 628, MedGen C0220726, MONDO:0009107, OMIM 222600.

Submission:

Juha Muilu Group; Institute for Molecular Medicine Finland (FIMM)
Classification: Likely pathogenic for Diastrophic dysplasia. Review status: no assertion criteria provided. Collection method: not provided. Allele origin: unknown.
Comment: FinDis database variant: This variant was not found or characterized by our laboratory, data were collected from public sources: see reference
ClinVar note: Converted during submission from probable-pathogenic to Likely pathogenic.

NM_000112.4(SLC26A2):c.1983del (p.Ala662fs)

Gene: SLC26A2 (solute carrier family 26 member 2; plus strand). Cytogenetic location: 5q32.
Variant type: Deletion.
Coding change: c.1983del on transcript NM_000112.4 (MANE Select); coding-DNA position 1983, one base deleted (A; older notation c.1983delA).
Protein change: p.Ala662fs; shifts the reading frame from alanine 662.
Molecular consequence: frameshift variant.
Genome position (GRCh38, 1-based): chr5:149,981,576, A deleted. VCF-style (leftmost placement, unchanged base first): chr5-149981575-CA-C. GRCh37 (hg19) VCF-style: chr5-149361138-CA-C.
Other names: c.1983delA (NM_000112.3); short protein forms A662fs.
Identifiers: ClinVar variation 56019 (VCV000056019.2), dbSNP rs386833500, ClinGen allele CA263257.